The following is an entry in ClinVar:

NM_015721.3(GEMIN4):c.2937C>T (p.Tyr979=)

Gene: GEMIN4 (gem nuclear organelle associated protein 4; minus strand). Cytogenetic location: 17p13.3.
Variant type: single nucleotide variant.
Coding change: c.2937C>T on transcript NM_015721.3 (MANE Select); coding-DNA position 2937, C replaced by T.
Protein change: p.Tyr979=; no amino-acid change (tyrosine 979 retained).
Molecular consequence: synonymous variant.
Genome position (GRCh38, 1-based): chr17:745,106, G>A on the plus strand (C>T on the coding strand, the complement: GEMIN4 is on the minus strand). VCF-style: chr17-745106-G-A. GRCh37 (hg19) VCF-style: chr17-648346-G-A.
Identifiers: ClinVar variation 4534508 (VCV004534508.6).

ClinVar aggregate classification (germline): Likely benign (1 of 4 stars; one submission).

gnomAD v4.1: 9 of 1,612,234 alleles (0.00056%); highest among the groups gnomAD compares: South Asian, 0.0066%; no homozygotes.

Submission:

CeGaT Center for Human Genetics Tuebingen
Classification: Likely benign. Last evaluated: 2025-11-01. Review status: criteria provided, single submitter. Criteria: CeGaT Center For Human Genetics Tuebingen Variant Classification Criteria Version 2. Collection method: clinical testing. Allele origin: germline. Affected: yes. Observed: 1 variant allele.
Comment: GEMIN4: BP4, BP7